The following is an entry in ClinVar:

ClinVar aggregate classification (germline): Likely benign (1 of 4 stars; one submission).

gnomAD v4.1: 9,083 of 1,611,806 alleles (0.56%); highest among the groups gnomAD compares: Middle Eastern, 1.4%; 45 homozygotes.

Submission:

CeGaT Center for Human Genetics Tuebingen
Classification: Likely benign. Last evaluated: 2026-03-01. Review status: criteria provided, single submitter. Criteria: CeGaT Center For Human Genetics Tuebingen Variant Classification Criteria Version 2. Collection method: clinical testing. Allele origin: germline. Affected: yes. Observed: 1 variant allele.
Comment: VCF1: BS2

NM_001098832.2(VCF1):c.67C>G (p.Pro23Ala)

Gene: VCF1 (VCP nuclear cofactor family member 1; minus strand). Cytogenetic location: 17q25.1.
Variant type: single nucleotide variant.
Coding change: c.67C>G on transcript NM_001098832.2 (MANE Select); coding-DNA position 67, C replaced by G.
Protein change: p.Pro23Ala; replaces proline 23 with alanine.
Molecular consequence: missense variant.
Genome position (GRCh38, 1-based): chr17:73,232,240, G>C on the plus strand (C>G on the coding strand, the complement: VCF1 is on the minus strand). VCF-style: chr17-73232240-G-C. GRCh37 (hg19) VCF-style: chr17-71228379-G-C.
Other names: c.67C>G, p.Pro23Ala (NM_001289410.1, NM_001289411.1, NM_032837.3); short protein forms P23A.
Identifiers: ClinVar variation 4820844 (VCV004820844.4).